The following is an entry in ClinVar:

NM_000310.4(PPT1):c.428A>G (p.His143Arg)

Gene: PPT1 (palmitoyl-protein thioesterase 1; minus strand). Cytogenetic location: 1p34.2.
Variant type: single nucleotide variant.
Coding change: c.428A>G on transcript NM_000310.4 (MANE Select); coding-DNA position 428, A replaced by G.
Protein change: p.His143Arg; replaces histidine 143 with arginine.
Molecular consequence: missense variant. On other transcripts: intron variant (1).
Genome position (GRCh38, 1-based): chr1:40,091,334, T>C on the plus strand (A>G on the coding strand, the complement: PPT1 is on the minus strand). VCF-style: chr1-40091334-T-C. GRCh37 (hg19) VCF-style: chr1-40557006-T-C.
Other names: c.428A>G, p.His143Arg (NM_001363695.2); c.125-1822A>G (NM_001142604.2); short protein forms H143R.
Identifiers: ClinVar variation 2046022 (VCV002046022.1), dbSNP rs1307096849, ClinGen allele CA339848808.
Genomic context (GRCh38, chr1:40,091,334, plus strand): 5'-CAGGTGGTCATGTGGGTTAGAATACAGAAAAAAGAAAGCAAAGAGGCAAAGTTACCTTGA[T>C]GTTGTCCCCCAACCGAGATCAGATTGATCATGGGAGGTGAAGGGCATCTCTGAGCCACTG-3'
Protein context (NP_000301.1, residues 133-153): MINLISVGGQ[His143Arg]QGVFGLPRCP

ClinVar aggregate classification (germline): Uncertain significance. Review status: criteria provided, multiple submitters, no conflicts (2 of 4 stars). 2 submissions from 2 submitters: Uncertain significance (2). Last evaluated 2025-09-30.

Conditions:
Neuronal ceroid lipofuscinosis 1 (CLN1). Also called: CEROID LIPOFUSCINOSIS, NEURONAL, 1, VARIABLE AGE AT ONSET; PPT1-Related Neuronal Ceroid-Lipofuscinosis. Identifiers: Orphanet 228329, MedGen C1850451, MONDO:0009744, OMIM 256730.

gnomAD v4.1: 2 of 1,613,790 alleles (0.00012%); highest among the groups gnomAD compares: South Asian, 0.0011%; no homozygotes.

Submissions (2):

Department of Paediatric Medicine, Post Graduation Institute of Medical Education and Research
Classification: Uncertain significance for Neuronal ceroid lipofuscinosis 1. Last evaluated: 2025-09-30. Review status: criteria provided, single submitter. Criteria: ACMG Guidelines, 2015. Collection method: clinical testing. Allele origin: inherited. Inheritance: Autosomal recessive inheritance. Affected: yes. Observed: 1 variant allele, 1 homozygote.
Comment: This variant p.His143Arg is not reported in gnomAD exomes and genomes. Severity of this variant on protein is medium.

Labcorp Genetics (formerly Invitae), Labcorp
Classification: Uncertain significance for Neuronal ceroid lipofuscinosis 1. Last evaluated: 2022-08-12. Review status: criteria provided, single submitter. Criteria: Invitae Variant Classification Sherloc (09022015). Collection method: clinical testing. Allele origin: germline.
Comment: This sequence change replaces histidine, which is basic and polar, with arginine, which is basic and polar, at codon 143 of the PPT1 protein (p.His143Arg). This variant is not present in population databases (gnomAD no frequency). This variant has not been reported in the literature in individuals affected with PPT1-related conditions. Advanced modeling of protein sequence and biophysical properties (such as structural, functional, and spatial information, amino acid conservation, physicochemical variation, residue mobility, and thermodynamic stability) performed at Invitae indicates that this missense variant is expected to disrupt PPT1 protein function. In summary, the available evidence is currently insufficient to determine the role of this variant in disease. Therefore, it has been classified as a Variant of Uncertain Significance.